The following is an entry in ClinVar:

NM_000388.4(CASR):c.1747A>G (p.Asn583Asp)

Gene: CASR (calcium sensing receptor; plus strand). Cytogenetic location: 3q21.1.
Variant type: single nucleotide variant.
Coding change: c.1747A>G on transcript NM_000388.4 (MANE Select); coding-DNA position 1747, A replaced by G.
Protein change: p.Asn583Asp; replaces asparagine 583 with aspartic acid.
Molecular consequence: missense variant.
Genome position (GRCh38, 1-based): chr3:122,283,701, A>G. VCF-style: chr3-122283701-A-G. GRCh37 (hg19) VCF-style: chr3-122002548-A-G.
Other names: c.1777A>G, p.Asn593Asp (NM_001178065.2); short protein forms N583D, N593D.
Identifiers: ClinVar variation 1803360 (VCV001803360.1), dbSNP rs2473276026, ClinGen allele CA354157128.

ClinVar aggregate classification (germline): Uncertain significance (1 of 4 stars; one submission).

Submission:

GeneDx
Classification: Uncertain significance. Last evaluated: 2022-06-02. Review status: criteria provided, single submitter. Criteria: GeneDx Variant Classification Process June 2021. Collection method: clinical testing. Allele origin: germline. Affected: yes.
Comment: Not observed at significant frequency in large population cohorts (gnomAD); In silico analysis supports that this missense variant does not alter protein structure/function; Has not been previously published as pathogenic or benign to our knowledge